The following is an entry in ClinVar:

NM_000218.3(KCNQ1):c.811C>T (p.Leu271=)

Gene: KCNQ1 (potassium voltage-gated channel subfamily Q member 1; plus strand). Cytogenetic location: 11p15.5.
Variant type: single nucleotide variant.
Coding change: c.811C>T on transcript NM_000218.3 (MANE Select); coding-DNA position 811, C replaced by T.
Protein change: p.Leu271=; no amino-acid change (leucine 271 retained).
Molecular consequence: synonymous variant. On other transcripts: intron variant (1).
Genome position (GRCh38, 1-based): chr11:2,572,876, C>T. VCF-style: chr11-2572876-C-T. GRCh37 (hg19) VCF-style: chr11-2594106-C-T.
Other names: p.L271L:CTG>TTG; c.811C>T, p.Leu271= (NM_001406836.1); c.541C>T, p.Leu181= (NM_001406837.1); c.430C>T, p.Leu144= (NM_181798.2); c.478-10559C>T (NM_001406838.1).
Identifiers: ClinVar variation 138001 (VCV000138001.105), dbSNP rs189991547, ClinGen allele CA008310.

ClinVar aggregate classification (germline): Conflicting classifications of pathogenicity. Review status: criteria provided, conflicting classifications (1 of 4 stars). 16 submissions from 13 submitters: Uncertain significance (3); Benign (4); Likely benign (6). 3 of the submissions do not count toward it. Last evaluated 2026-08-01.

Conditions:
Cardiovascular phenotype. Identifiers: MedGen CN230736.
Cardiac arrhythmia. Also called: Cardiac rhythm disease; Arrhythmia. Identifiers: MedGen C0003811, MONDO:0007263, HP:0011675.
Long QT syndrome (LQTS). Identifiers: MedGen C0023976, MeSH D008133, MONDO:0002442. Disease mechanism: loss of function. Inheritance: Various modes of inheritance.
Jervell and Lange-Nielsen syndrome 1 (JLNS1). Also called: DEAFNESS, CONGENITAL, AND FUNCTIONAL HEART DISEASE; CARDIOAUDITORY SYNDROME OF JERVELL AND LANGE-NIELSEN; PROLONGED QT INTERVAL IN EKG AND SUDDEN DEATH; SURDO-CARDIAC SYNDROME. Identifiers: Orphanet 768, Orphanet 90647, MedGen C4551509, MONDO:0024540, OMIM 220400.
Short QT syndrome type 2. Identifiers: Orphanet 51083, MedGen C1865019, MONDO:0012313, OMIM 609621.
Atrial fibrillation, familial, 3 (ATFB3). Identifiers: MedGen C1837014, MONDO:0011857, OMIM 607554.
Long QT syndrome 1 (LQT1). Identifiers: Orphanet 101016, Orphanet 768, MedGen C4551647, MONDO:0100316, OMIM 192500, MONDO:0008646.

Allele frequency attached by ClinVar (database versions not stated): ESP Exome Variant Server 0.00015; 1000 Genomes Project 30x 0.00031; 1000 Genomes Project 0.00040; gnomAD 0.00040 and 0.00041; TOPMed 0.00046; gnomAD exomes 0.00048 and 0.00065; ExAC 0.00058.
gnomAD v4.1: 782 of 1,613,834 alleles (0.048%); highest among the groups gnomAD compares: Middle Eastern, 0.16%; 1 homozygote.

Submissions (16):

CeGaT Center for Human Genetics Tuebingen
Classification: Likely benign. Last evaluated: 2026-08-01. Review status: criteria provided, single submitter. Criteria: CeGaT Center For Human Genetics Tuebingen Variant Classification Criteria Version 2. Collection method: clinical testing. Allele origin: germline. Affected: yes. Observed: 24 variant alleles.
Comment: KCNQ1: BP4, BP7

Labcorp Genetics (formerly Invitae), Labcorp
Classification: Likely benign for Long QT syndrome. Last evaluated: 2026-01-31. Review status: criteria provided, single submitter. Criteria: Invitae Variant Classification Sherloc (09022015). Collection method: clinical testing. Allele origin: germline.

Molecular Diagnostic Laboratory for Inherited Cardiovascular Disease, Montreal Heart Institute
Classification: Likely benign. Last evaluated: 2025-04-09. Review status: criteria provided, single submitter. Criteria: ACMG Guidelines, 2015. Collection method: clinical testing. Allele origin: germline. Affected: no.
Comment: BP6;BP7

Blueprint Genetics
Classification: Likely benign. Last evaluated: 2024-11-06. Review status: criteria provided, single submitter. Criteria: ACMG Guidelines, 2015. Collection method: clinical testing. Allele origin: germline.

All of Us Research Program, National Institutes of Health
Classification: Benign for Long QT syndrome. Last evaluated: 2024-02-05. Review status: criteria provided, single submitter. Criteria: ACMG Guidelines, 2015. Collection method: clinical testing. Allele origin: germline. Inheritance: Autosomal dominant inheritance. Observed: 178 variant alleles, 177 heterozygotes, 1 homozygote.
Comment: This study involves interpretation of variants in research participants for the purpose of population health screening. Participant phenotype was not available at the time of variant classification. Additional details can be found in publication PMID: 35346344, PMCID: PMC8962531

Color Diagnostics, LLC DBA Color Health
Classification: Benign for Arrhythmia. Last evaluated: 2018-05-21. Review status: criteria provided, single submitter. Criteria: ACMG Guidelines, 2015. Collection method: clinical testing. Allele origin: germline.

Illumina Laboratory Services, Illumina
Classification: Benign for Short QT syndrome type 2. Last evaluated: 2018-01-12. Review status: criteria provided, single submitter. Criteria: ICSL Variant Classification Criteria 13 December 2019. Collection method: clinical testing. Allele origin: germline.
Comment: This variant was observed in the ICSL laboratory as part of a predisposition screen in an ostensibly healthy population. It had not been previously curated by ICSL or reported in the Human Gene Mutation Database (HGMD: prior to June 1st, 2018), and was therefore a candidate for classification through an automated scoring system. Utilizing variant allele frequency, disease prevalence and penetrance estimates, and inheritance mode, an automated score was calculated to assess if this variant is too frequent to cause the disease. Based on the score and internal cut-off values, a variant classified as benign is not then subjected to further curation. The score for this variant resulted in a classification of benign for this disease.

Illumina Laboratory Services, Illumina
Classification: Uncertain significance for Atrial fibrillation, familial, 3. Last evaluated: 2018-01-12. Review status: criteria provided, single submitter. Criteria: ICSL Variant Classification Criteria 13 December 2019. Collection method: clinical testing. Allele origin: germline.

Illumina Laboratory Services, Illumina
Classification: Uncertain significance for Jervell and Lange-Nielsen syndrome 1. Last evaluated: 2018-01-12. Review status: criteria provided, single submitter. Criteria: ICSL Variant Classification Criteria 13 December 2019. Collection method: clinical testing. Allele origin: germline.

Illumina Laboratory Services, Illumina
Classification: Uncertain significance for Long QT syndrome 1. Last evaluated: 2018-01-12. Review status: criteria provided, single submitter. Criteria: ICSL Variant Classification Criteria 13 December 2019. Collection method: clinical testing. Allele origin: germline.

Ambry Genetics
Classification: Likely benign for Cardiovascular phenotype. Last evaluated: 2017-09-21. Review status: criteria provided, single submitter. Criteria: Ambry Variant Classification Scheme 2023. Collection method: clinical testing. Allele origin: germline.

Laboratory for Molecular Medicine, Mass General Brigham Personalized Medicine
Classification: Likely benign. Last evaluated: 2016-01-29. Review status: criteria provided, single submitter. Criteria: LMM Criteria. Collection method: clinical testing. Allele origin: germline. Observed: 2 variant alleles.
Comment: p.Leu271Leu in Exon 06 of KCNQ1: This variant is not expected to have clinical s ignificance because it does not alter an amino acid residue, is not located with in the splice consensus sequence, and has been identified in 62/65706 European c hromosomes by the Exome Aggregation Consortium (ExAC .org; dbSNP rs189991547).

GeneDx
Classification: Benign. Last evaluated: 2013-01-23. Review status: criteria provided, single submitter. Criteria: GeneDx Variant Classification (06012015). Collection method: clinical testing. Allele origin: germline. Affected: yes.
Comment: This variant is considered likely benign or benign based on one or more of the following criteria: it is a conservative change, it occurs at a poorly conserved position in the protein, it is predicted to be benign by multiple in silico algorithms, and/or has population frequency not consistent with disease.

Clinical Genetics DNA and cytogenetics Diagnostics Lab, Erasmus MC, Erasmus Medical Center
Classification: Likely benign. Review status: no assertion criteria provided. Collection method: clinical testing. Allele origin: germline. Affected: yes. Study: VKGL Data-share Consensus. Not counted in ClinVar's aggregate classification.

Clinical Genetics, Academic Medical Center
Classification: Benign. Review status: no assertion criteria provided. Collection method: clinical testing. Allele origin: germline. Affected: yes. Study: VKGL Data-share Consensus. Not counted in ClinVar's aggregate classification.

Joint Genome Diagnostic Labs from Nijmegen and Maastricht, Radboudumc and MUMC+
Classification: Likely benign. Review status: no assertion criteria provided. Collection method: clinical testing. Allele origin: germline. Affected: yes. Study: VKGL Data-share Consensus. Not counted in ClinVar's aggregate classification.